The following is an entry in ClinVar:

ClinVar aggregate classification (germline): Uncertain significance (1 of 4 stars; one submission).

Submission:

Labcorp Genetics (formerly Invitae), Labcorp
Classification: Uncertain significance. Last evaluated: 2023-08-14. Review status: criteria provided, single submitter. Criteria: Invitae Variant Classification Sherloc (09022015). Collection method: clinical testing. Allele origin: unknown.
Comment: A gross deletion of the genomic region encompassing the full coding sequence of the GYG2 gene has been identified. The current clinical and genetic evidence is not sufficient to establish whether loss-of-function variants in GYG2 cause disease. The boundaries of this event are unknown as they extend beyond the assayed region for this gene and therefore may encompass additional genes. This variant has not been reported in the literature in individuals affected with GYG2-related conditions. In summary, the available evidence is currently insufficient to determine the role of this variant in disease. Therefore, it has been classified as a Variant of Uncertain Significance.

NC_000023.10:g.(?_2748230)_(2828854_?)del

Genes: ARSD (arylsulfatase D; minus strand), ARSD-AS1 (ARSD antisense RNA 1; plus strand), GYG2 (glycogenin 2; plus strand). Cytogenetic location: Xp22.33.
Variant type: Deletion.
Identifiers: ClinVar variation 3246574 (VCV003246574.1).